The following is an entry in ClinVar:

ClinVar aggregate classification (germline): Uncertain significance (1 of 4 stars; one submission).

Conditions:
Malignant hyperthermia, susceptibility to, 5 (MHS5). Also called: CACNA1S-Related Malignant Hyperthermia Susceptibility. Identifiers: Orphanet 423, MedGen C1866077, MONDO:0011163, OMIM 601887.

Submission:

All of Us Research Program, National Institutes of Health
Classification: Uncertain significance for Malignant hyperthermia, susceptibility to, 5. Last evaluated: 2023-10-23. Review status: criteria provided, single submitter. Criteria: ACMG Guidelines, 2015. Collection method: clinical testing. Allele origin: germline. Inheritance: Autosomal dominant inheritance. Observed: 1 variant allele, 1 heterozygote.
Comment: This missense variant replaces lysine with arginine at codon 787 of the CACNA1S protein. Computational prediction is inconclusive regarding the impact of this variant on protein structure and function (internally defined REVEL score threshold 0.5 < inconclusive < 0.7, PMID: 27666373). To our knowledge, functional studies have not been reported for this variant. This variant has not been reported in individuals affected with CACNA1S-related disorders in the literature. This variant has not been identified in the general population by the Genome Aggregation Database (gnomAD). The available evidence is insufficient to determine the role of this variant in disease conclusively. Therefore, this variant is classified as a Variant of Uncertain Significance.

This study involves interpretation of variants in research participants for the purpose of population health screening. Participant phenotype was not available at the time of variant classification. Additional details can be found in publication PMID: 35346344, PMCID: PMC8962531

NM_000069.3(CACNA1S):c.2360A>G (p.Lys787Arg)

Gene: CACNA1S (calcium voltage-gated channel subunit alpha1 S; minus strand). Cytogenetic location: 1q32.1.
Variant type: single nucleotide variant.
Coding change: c.2360A>G on transcript NM_000069.3 (MANE Select); coding-DNA position 2360, A replaced by G.
Protein change: p.Lys787Arg; replaces lysine 787 with arginine.
Molecular consequence: missense variant.
Genome position (GRCh38, 1-based): chr1:201,070,272, T>C on the plus strand (A>G on the coding strand, the complement: CACNA1S is on the minus strand). VCF-style: chr1-201070272-T-C. GRCh37 (hg19) VCF-style: chr1-201039400-T-C.
Other names: short protein forms K787R.
Identifiers: ClinVar variation 3074123 (VCV003074123.1), dbSNP rs770110085, ClinGen allele CA344108458.